The following is an entry in ClinVar:

NM_005120.3(MED12):c.3385G>A (p.Ala1129Thr)

Gene: MED12 (mediator complex subunit 12; plus strand). Cytogenetic location: Xq13.1.
Variant type: single nucleotide variant.
Coding change: c.3385G>A on transcript NM_005120.3 (MANE Select); coding-DNA position 3385, G replaced by A.
Protein change: p.Ala1129Thr; replaces alanine 1129 with threonine.
Molecular consequence: missense variant.
Genome position (GRCh38, 1-based): chrX:71,128,628, G>A. VCF-style: chrX-71128628-G-A. GRCh37 (hg19) VCF-style: chrX-70348478-G-A.
Other names: short protein forms A1129T.
Identifiers: ClinVar variation 2585788 (VCV002585788.2), dbSNP rs2147803564, ClinGen allele CA413519011.

ClinVar aggregate classification (germline): Uncertain significance (1 of 4 stars; one submission).

Conditions:
Familial thoracic aortic aneurysm and aortic dissection (TAAD). Also called: Thoracic aortic aneurysms and dissections. Identifiers: Orphanet 91387, MedGen C4707243, MONDO:0019625.

Submission:

Ambry Genetics
Classification: Uncertain significance for Familial thoracic aortic aneurysm and aortic dissection. Last evaluated: 2023-08-07. Review status: criteria provided, single submitter. Criteria: Ambry Variant Classification Scheme 2023. Collection method: clinical testing. Allele origin: germline.
Comment: The p.A1129T variant (also known as c.3385G>A), located in coding exon 24 of the MED12 gene, results from a G to A substitution at nucleotide position 3385. The alanine at codon 1129 is replaced by threonine, an amino acid with similar properties. This amino acid position is conserved. In addition, the in silico prediction for this alteration is inconclusive. Since supporting evidence is limited at this time, the clinical significance of this alteration remains unclear.